The following is an entry in ClinVar:

NM_001242896.3(DEPDC5):c.1218-13_1218-10del

Gene: DEPDC5 (DEP domain containing 5, GATOR1 subcomplex subunit; plus strand). Cytogenetic location: 22q12.3.
Variant type: Microsatellite.
Coding change: c.1218-13_1218-10del on transcript NM_001242896.3 (MANE Select); 13 bases into the intron before coding-DNA position 1218 through 10 bases into the intron before coding-DNA position 1218, 4 bases deleted (GTTT; older notation c.1218-13_1218-10delGTTT).
Molecular consequence: intron variant.
Genome position (GRCh38, 1-based): chr22:31,806,109-31,806,112, GTTT deleted; deleting any 4 consecutive bases within chr22:31,806,104-31,806,112 gives the same sequence; the c. name uses the placement nearest the transcript's 3' end. VCF-style (leftmost placement, unchanged base first): chr22-31806103-CTGTT-C. GRCh37 (hg19) VCF-style: chr22-32202089-CTGTT-C.
Other names: c.1218-13_1218-10del (NM_001364318.2, NM_001136029.4, NM_014662.6 and 7 more transcripts); c.1134-13_1134-10del (NM_001369902.1, NM_001369901.1); c.1218-18_1218-15delTGTT (NM_001242896.1).
Identifiers: ClinVar variation 264754 (VCV000264754.22), dbSNP rs150103661, ClinGen allele CA10196283.
Genomic context (GRCh38, chr22:31,806,103, plus strand): 5'-ATGCCTAGTATTTTAACTGTGTTTTGAGTTTTAAAATAAAGGGAATTTAGATTAATGACT[CTGTT>C]TGTTTCTTTTACAGTTTCTACACATCCAAAAGCCAGCTCTTTTGTAATAGTTTCACCCCA-3'

ClinVar aggregate classification (germline): Benign/Likely benign. Review status: criteria provided, multiple submitters, no conflicts (2 of 4 stars). 6 submissions from 6 submitters: Benign (4); Likely benign (1). 1 of the submissions does not count toward it. Last evaluated 2026-03-01.

Conditions:
Familial focal epilepsy with variable foci (FPEVF). Identifiers: Orphanet 98820, MedGen C1858477, MONDO:0020310.
Epilepsy, familial focal, with variable foci 1 (FFEVF1). Also called: DEPDC5-Related Epilepsy. Identifiers: MedGen C4551983, MONDO:0024556, OMIM 604364.

Submissions (8):

CeGaT Center for Human Genetics Tuebingen
Classification: Benign. Last evaluated: 2026-03-01. Review status: criteria provided, single submitter. Criteria: CeGaT Center For Human Genetics Tuebingen Variant Classification Criteria Version 2. Collection method: clinical testing. Allele origin: germline. Affected: yes. Observed: 3 variant alleles.
Comment: DEPDC5: BS1, BS2

Labcorp Genetics (formerly Invitae), Labcorp
Classification: Benign for Familial focal epilepsy with variable foci. Last evaluated: 2026-02-03. Review status: criteria provided, single submitter. Criteria: Invitae Variant Classification Sherloc (09022015). Collection method: clinical testing. Allele origin: germline.

ARUP Laboratories, Molecular Genetics and Genomics, ARUP Laboratories
Classification: Benign. Last evaluated: 2025-04-30. Review status: criteria provided, single submitter. Criteria: ARUP Molecular Germline Variant Investigation Process 2024. Collection method: clinical testing. Allele origin: germline.

Blueprint Genetics
Classification: Likely benign. Last evaluated: 2024-11-27. Review status: criteria provided, single submitter. Criteria: ACMG Guidelines, 2015. Collection method: clinical testing. Allele origin: germline.

GeneDx
Classification: Benign. Last evaluated: 2018-08-08. Review status: criteria provided, single submitter. Criteria: GeneDx Variant Classification Process June 2021. Collection method: clinical testing. Allele origin: germline. Affected: yes.
Comment: This variant is associated with the following publications: (PMID: 30093711)

Dr. Peter K. Rogan Lab, Western University
No classification provided (evidence only). Condition: Uterine corpus endometrial carcinoma. Review status: no classification provided. Collection method: in vitro. Allele origin: not applicable. Functional consequence: retained intron. Not counted in ClinVar's aggregate classification.

Dr. Peter K. Rogan Lab, Western University
No classification provided (evidence only). Condition: Malignant tumor of esophagus. Review status: no classification provided. Collection method: in vitro. Allele origin: not applicable. Functional consequence: skipped exon, retained intron. Not counted in ClinVar's aggregate classification.

GeneReviews
No classification provided. Condition: Epilepsy, familial focal, with variable foci 1. Review status: no classification provided. Collection method: literature only. Allele origin: germline. Affected: yes. Not counted in ClinVar's aggregate classification.

Literature cited by the submitters: PubMed 25599672 (cited by GeneReviews); NCBI Bookshelf NBK385626 (cited by GeneReviews).